The following is an entry in ClinVar:

ClinVar aggregate classification (germline): Likely benign (1 of 4 stars; one submission).

Conditions:
Parkinson Disease, Dominant/Recessive.

Allele frequency attached by ClinVar (database versions not stated): ESP Exome Variant Server 0.00008; gnomAD exomes 0.00009; ExAC 0.00011; gnomAD 0.00030 and 0.00033; 1000 Genomes Project 30x 0.00031; TOPMed 0.00031; 1000 Genomes Project 0.00040.
gnomAD v4.1: 101 of 1,613,704 alleles (0.0063%); highest among the groups gnomAD compares: African/African-American, 0.1%; 1 homozygote.

Submission:

Illumina Laboratory Services, Illumina
Classification: Likely benign for Parkinson Disease, Dominant/Recessive. Last evaluated: 2018-01-13. Review status: criteria provided, single submitter. Criteria: ICSL Variant Classification Criteria 13 December 2019. Collection method: clinical testing. Allele origin: germline.
Comment: This variant was observed in the ICSL laboratory as part of a predisposition screen in an ostensibly healthy population. It had not been previously curated by ICSL or reported in the Human Gene Mutation Database (HGMD: prior to June 1st, 2018), and was therefore a candidate for classification through an automated scoring system. Utilizing variant allele frequency, disease prevalence and penetrance estimates, and inheritance mode, an automated score was calculated to assess if this variant is too frequent to cause the disease. Based on the score and internal cut-off values, a variant classified as likely benign is not then subjected to further curation. The score for this variant resulted in a classification of likely benign for this disease.

NM_005460.4(SNCAIP):c.708C>T (p.Thr236=)

Gene: SNCAIP (synuclein alpha interacting protein; plus strand). Cytogenetic location: 5q23.2.
Variant type: single nucleotide variant.
Coding change: c.708C>T on transcript NM_005460.4 (MANE Select); coding-DNA position 708, C replaced by T.
Protein change: p.Thr236=; no amino-acid change (threonine 236 retained).
Molecular consequence: synonymous variant. On other transcripts: non-coding transcript variant (1), intron variant (5).
Genome position (GRCh38, 1-based): chr5:122,423,445, C>T. VCF-style: chr5-122423445-C-T. GRCh37 (hg19) VCF-style: chr5-121759140-C-T.
Other names: c.849C>T, p.Thr283= (NM_001308100.2); c.708C>T, p.Thr236= (NM_001308105.1); c.85-8524C>T (NM_001242935.3, NM_001308107.2); c.85-17184C>T (NM_001308109.2); c.79-8524C>T (NM_001308106.1); c.85-1907C>T (NM_001308108.1).
Identifiers: ClinVar variation 350491 (VCV000350491.5), dbSNP rs377374083, ClinGen allele CA3384692.